The following is an entry in ClinVar:

ClinVar aggregate classification (germline): Uncertain significance (1 of 4 stars; one submission).

Allele frequency attached by ClinVar (database versions not stated): TOPMed below 0.00001; gnomAD 0.00001; gnomAD exomes 0.00001; 1000 Genomes Project 30x 0.00016; 1000 Genomes Project 0.00020.
gnomAD v4.1: 13 of 1,614,096 alleles (0.00081%); highest among the groups gnomAD compares: Admixed American, 0.01%; no homozygotes.

Submission:

Labcorp Genetics (formerly Invitae), Labcorp
Classification: Uncertain significance. Last evaluated: 2026-01-05. Review status: criteria provided, single submitter. Criteria: Invitae Variant Classification Sherloc (09022015). Collection method: clinical testing. Allele origin: germline.
Comment: This sequence change replaces arginine, which is basic and polar, with glutamine, which is neutral and polar, at codon 1483 of the NUP205 protein (p.Arg1483Gln). This variant is present in population databases (rs558977227, gnomAD 0.009%). This variant has not been reported in the literature in individuals affected with NUP205-related conditions. ClinVar contains an entry for this variant (Variation ID: 2168084). Invitae Evidence Modeling of protein sequence and biophysical properties (such as structural, functional, and spatial information, amino acid conservation, physicochemical variation, residue mobility, and thermodynamic stability) indicates that this missense variant is not expected to disrupt NUP205 protein function with a negative predictive value of 80%. In summary, the available evidence is currently insufficient to determine the role of this variant in disease. Therefore, it has been classified as a Variant of Uncertain Significance.

NM_015135.3(NUP205):c.4448G>A (p.Arg1483Gln)

Gene: NUP205 (nucleoporin 205; plus strand). Cytogenetic location: 7q33.
Variant type: single nucleotide variant.
Coding change: c.4448G>A on transcript NM_015135.3 (MANE Select); coding-DNA position 4448, G replaced by A.
Protein change: p.Arg1483Gln; replaces arginine 1483 with glutamine.
Molecular consequence: missense variant.
Genome position (GRCh38, 1-based): chr7:135,622,894, G>A. VCF-style: chr7-135622894-G-A. GRCh37 (hg19) VCF-style: chr7-135307642-G-A.
Other names: c.3374G>A, p.Arg1125Gln (NM_001329434.2); short protein forms R1125Q, R1483Q.
Identifiers: ClinVar variation 2168084 (VCV002168084.4), dbSNP rs558977227, ClinGen allele CA167057900.